The following is an entry in ClinVar:

NM_006431.3(CCT2):c.1283C>T (p.Thr428Ile)

Gene: CCT2 (chaperonin containing TCP1 subunit 2; plus strand). Cytogenetic location: 12q15.
Variant type: single nucleotide variant.
Coding change: c.1283C>T on transcript NM_006431.3 (MANE Select); coding-DNA position 1283, C replaced by T.
Protein change: p.Thr428Ile; replaces threonine 428 with isoleucine.
Molecular consequence: missense variant.
Genome position (GRCh38, 1-based): chr12:69,598,019, C>T. VCF-style: chr12-69598019-C-T. GRCh37 (hg19) VCF-style: chr12-69991799-C-T.
Other names: c.1142C>T, p.Thr381Ile (NM_001198842.2); short protein forms T428I, T381I.
Identifiers: ClinVar variation 1399668 (VCV001399668.8), dbSNP rs753130579, ClinGen allele CA6680823.

ClinVar aggregate classification (germline): Uncertain significance (1 of 4 stars; one submission).

Allele frequency attached by ClinVar (database versions not stated): gnomAD 0.00001; gnomAD exomes 0.00002 and 0.00004; ExAC 0.00007.
gnomAD v4.1: 36 of 1,613,818 alleles (0.0022%); highest among the groups gnomAD compares: South Asian, 0.037%; no homozygotes.

Submission:

Labcorp Genetics (formerly Invitae), Labcorp
Classification: Uncertain significance. Last evaluated: 2022-03-11. Review status: criteria provided, single submitter. Criteria: Invitae Variant Classification Sherloc (09022015). Collection method: clinical testing. Allele origin: germline.
Comment: In summary, the available evidence is currently insufficient to determine the role of this variant in disease. Therefore, it has been classified as a Variant of Uncertain Significance. This sequence change replaces threonine, which is neutral and polar, with isoleucine, which is neutral and non-polar, at codon 428 of the CCT2 protein (p.Thr428Ile). This variant is present in population databases (rs753130579, gnomAD 0.04%). This variant has not been reported in the literature in individuals affected with CCT2-related conditions. Algorithms developed to predict the effect of missense changes on protein structure and function (SIFT, PolyPhen-2, Align-GVGD) all suggest that this variant is likely to be tolerated.